The following is an entry in ClinVar:

NM_012431.3(SEMA3E):c.1462C>G (p.Pro488Ala)

Gene: SEMA3E (semaphorin 3E; minus strand). Cytogenetic location: 7q21.11.
Variant type: single nucleotide variant.
Coding change: c.1462C>G on transcript NM_012431.3 (MANE Select); coding-DNA position 1462, C replaced by G.
Protein change: p.Pro488Ala; replaces proline 488 with alanine.
Molecular consequence: missense variant.
Genome position (GRCh38, 1-based): chr7:83,394,335, G>C on the plus strand (C>G on the coding strand, the complement: SEMA3E is on the minus strand). VCF-style: chr7-83394335-G-C. GRCh37 (hg19) VCF-style: chr7-83023651-G-C.
Other names: c.1282C>G, p.Pro428Ala (NM_001178129.2); short protein forms P488A, P428A.
Identifiers: ClinVar variation 2155670 (VCV002155670.4), dbSNP rs746153032, ClinGen allele CA367924384.
Genomic context (GRCh38, chr7:83,394,335, plus strand): 5'-CACACACACACACAGAACTTACCCGCTTTGAAGAAATCTCCATAGAAATAATAGGAACTG[G>C]ATCCTGAAATTTTAAAAAAGTTTTCATTTTTAAGAAAACAGTATAAAAACATTTACCTTA-3'
Protein context (NP_036563.1, residues 478-498): ILEELQIFKD[Pro488Ala]VPIISMEISS

ClinVar aggregate classification (germline): Uncertain significance (1 of 4 stars; one submission).

Conditions:
CHARGE syndrome (CHARGE). Also called: Hittner Hirsch Kreh syndrome; CHARGE ASSOCIATION--COLOBOMA, HEART ANOMALY, CHOANAL ATRESIA, RETARDATION, GENITAL AND EAR ANOMALIES; Coloboma, heart anomaly, choanal atresia, retardation, genital and ear anomalies; CHARGE association; Hall-Hittner syndrome. Identifiers: Orphanet 138, MedGen C0265354, MONDO:0008965.

Submission:

Labcorp Genetics (formerly Invitae), Labcorp
Classification: Uncertain significance for CHARGE syndrome. Last evaluated: 2022-07-17. Review status: criteria provided, single submitter. Criteria: Invitae Variant Classification Sherloc (09022015). Collection method: clinical testing. Allele origin: germline.
Comment: This sequence change replaces proline, which is neutral and non-polar, with alanine, which is neutral and non-polar, at codon 488 of the SEMA3E protein (p.Pro488Ala). This variant is not present in population databases (gnomAD no frequency). This variant has not been reported in the literature in individuals affected with SEMA3E-related conditions. Algorithms developed to predict the effect of missense changes on protein structure and function are either unavailable or do not agree on the potential impact of this missense change (SIFT: "Deleterious"; PolyPhen-2: "Benign"; Align-GVGD: "Class C0"). In summary, the available evidence is currently insufficient to determine the role of this variant in disease. Therefore, it has been classified as a Variant of Uncertain Significance.